The following is an entry in ClinVar:

ClinVar aggregate classification (germline): Uncertain significance (1 of 4 stars; one submission).

Conditions:
Multiple gastrointestinal atresias. Also called: FAMILIAL INTESTINAL POLYATRESIA SYNDROME; Multiple intestinal atresia. Identifiers: Orphanet 2300, MedGen C0220744, MONDO:0009465.

Allele frequency attached by ClinVar (database versions not stated): TOPMed 0.00001.

Submission:

Labcorp Genetics (formerly Invitae), Labcorp
Classification: Uncertain significance for Multiple gastrointestinal atresias. Last evaluated: 2022-05-29. Review status: criteria provided, single submitter. Criteria: Invitae Variant Classification Sherloc (09022015). Collection method: clinical testing. Allele origin: germline.
Comment: This sequence change replaces threonine, which is neutral and polar, with isoleucine, which is neutral and non-polar, at codon 594 of the TTC7A protein (p.Thr594Ile). This variant is not present in population databases (gnomAD no frequency). This variant has not been reported in the literature in individuals affected with TTC7A-related conditions. Algorithms developed to predict the effect of missense changes on protein structure and function (SIFT, PolyPhen-2, Align-GVGD) all suggest that this variant is likely to be tolerated. In summary, the available evidence is currently insufficient to determine the role of this variant in disease. Therefore, it has been classified as a Variant of Uncertain Significance.

NM_020458.4(TTC7A):c.1781C>T (p.Thr594Ile)

Gene: TTC7A (tetratricopeptide repeat domain 7A; plus strand). Cytogenetic location: 2p21.
Variant type: single nucleotide variant.
Coding change: c.1781C>T on transcript NM_020458.4 (MANE Select); coding-DNA position 1781, C replaced by T.
Protein change: p.Thr594Ile; replaces threonine 594 with isoleucine.
Molecular consequence: missense variant.
Genome position (GRCh38, 1-based): chr2:47,029,363, C>T. VCF-style: chr2-47029363-C-T. GRCh37 (hg19) VCF-style: chr2-47256502-C-T.
Other names: c.1781C>T, p.Thr594Ile (NM_001288951.2); c.1679C>T, p.Thr560Ile (NM_001288953.2); c.719C>T, p.Thr240Ile (NM_001288955.2); short protein forms T560I, T240I, T594I.
Identifiers: ClinVar variation 2000400 (VCV002000400.1), dbSNP rs1226082177, ClinGen allele CA346717774.